The following is an entry in ClinVar:

ClinVar aggregate classification (germline): Uncertain significance. Review status: criteria provided, multiple submitters, no conflicts (2 of 4 stars). 2 submissions from 2 submitters: Uncertain significance (2). Last evaluated 2022-11-01.

Allele frequency attached by ClinVar (database versions not stated): gnomAD exomes 0.00001; TOPMed 0.00002; gnomAD 0.00003.
gnomAD v4.1: 18 of 1,613,776 alleles (0.0011%); highest among the groups gnomAD compares: Admixed American, 0.0067%; no homozygotes.

Submissions (2):

Labcorp Genetics (formerly Invitae), Labcorp
Classification: Uncertain significance. Last evaluated: 2022-11-01. Review status: criteria provided, single submitter. Criteria: Invitae Variant Classification Sherloc (09022015). Collection method: clinical testing. Allele origin: germline.
Comment: In summary, the available evidence is currently insufficient to determine the role of this variant in disease. Therefore, it has been classified as a Variant of Uncertain Significance. Algorithms developed to predict the effect of missense changes on protein structure and function are either unavailable or do not agree on the potential impact of this missense change (SIFT: "Deleterious"; PolyPhen-2: "Probably Damaging"; Align-GVGD: "Class C0"). ClinVar contains an entry for this variant (Variation ID: 1355903). This variant has not been reported in the literature in individuals affected with ITGAM-related conditions. This variant is present in population databases (no rsID available, gnomAD 0.006%). This sequence change replaces valine, which is neutral and non-polar, with methionine, which is neutral and non-polar, at codon 85 of the ITGAM protein (p.Val85Met).

Ambry Genetics
Classification: Uncertain significance. Last evaluated: 2022-10-03. Review status: criteria provided, single submitter. Criteria: Ambry Variant Classification Scheme 2023. Collection method: clinical testing. Allele origin: germline.

NM_000632.4(ITGAM):c.253G>A (p.Val85Met)

Genes: ITGAM (integrin subunit alpha M; plus strand), LOC126862331 (P300/CBP strongly-dependent group 1 enhancer GRCh37_chr16:31276375-31277574; plus strand). Cytogenetic location: 16p11.2.
Variant type: single nucleotide variant.
Coding change: c.253G>A on transcript NM_000632.4 (MANE Select); coding-DNA position 253, G replaced by A.
Protein change: p.Val85Met; replaces valine 85 with methionine.
Molecular consequence: missense variant.
Genome position (GRCh38, 1-based): chr16:31,265,825, G>A. VCF-style: chr16-31265825-G-A. GRCh37 (hg19) VCF-style: chr16-31277146-G-A.
Other names: c.253G>A (NM_000632.3); c.253G>A, p.Val85Met (NM_001145808.2); short protein forms V85M.
Identifiers: ClinVar variation 1355903 (VCV001355903.7), dbSNP rs1478334387, ClinGen allele CA395683729.